The following is an entry in ClinVar:

ClinVar aggregate classification (germline): Uncertain significance (1 of 4 stars; one submission).

Submission:

Labcorp Genetics (formerly Invitae), Labcorp
Classification: Uncertain significance. Last evaluated: 2025-09-13. Review status: criteria provided, single submitter. Criteria: Invitae Variant Classification Sherloc (09022015). Collection method: clinical testing. Allele origin: germline.
Comment: This variant, c.870_872del, results in the deletion of 1 amino acid(s) of the ZNF687 protein (p.Asp290del), but otherwise preserves the integrity of the reading frame. This variant is present in population databases (rs760899845, gnomAD 0.006%). This variant has not been reported in the literature in individuals affected with ZNF687-related conditions. Experimental studies and prediction algorithms are not available or were not evaluated, and the functional significance of this variant is currently unknown. In summary, the available evidence is currently insufficient to determine the role of this variant in disease. Therefore, it has been classified as a Variant of Uncertain Significance.

NM_020832.3(ZNF687):c.864TGA[2] (p.Asp290del)

Gene: ZNF687 (zinc finger protein 687; plus strand). Cytogenetic location: 1q21.3.
Variant type: Microsatellite.
Coding change: c.864TGA[2] on transcript NM_020832.3 (MANE Select); two copies in a row of the 3-base unit TGA starting at c.864; the reference has three copies in a row; one copy, 3 bases deleted.
Protein change: p.Asp290del; deletes aspartic acid 290.
Molecular consequence: inframe deletion.
Genome position (GRCh38, 1-based): chr1:151,287,161-151,287,163, TGA deleted; deleting any 3 consecutive bases within chr1:151,287,153-151,287,163 gives the same sequence; the position shown is the placement nearest the transcript's 3' end. VCF-style (leftmost placement, unchanged base first): chr1-151287152-AGAT-A. GRCh37 (hg19) VCF-style: chr1-151259628-AGAT-A.
Other names: c.864TGA[2], p.Asp290del (NM_001304763.2, NM_001304764.2); short protein forms D290del.
Identifiers: ClinVar variation 1913293 (VCV001913293.5), dbSNP rs760899845, ClinGen allele CA1088235.